The following is an entry in ClinVar:

NM_000179.3(MSH6):c.3646+5G>C

Gene: MSH6 (mutS homolog 6; plus strand). Cytogenetic location: 2p16.3.
Variant type: single nucleotide variant.
Coding change: c.3646+5G>C on transcript NM_000179.3 (MANE Select); 5 bases into the intron after coding-DNA position 3646, G replaced by C.
Molecular consequence: intron variant.
Genome position (GRCh38, 1-based): chr2:47,805,712, G>C. VCF-style: chr2-47805712-G-C. GRCh37 (hg19) VCF-style: chr2-48032851-G-C.
Other names: c.2740+5G>C (NM_001281493.2, NM_001281494.2); c.3256+5G>C (NM_001281492.2).
Identifiers: ClinVar variation 927465 (VCV000927465.11), dbSNP rs1669974239, ClinGen allele CA913188007.
Genomic context (GRCh38, chr2:47,805,712, plus strand): 5'-TGCCAGCATACTCATGCATGCAACAGCACATTCTCTGGTGCTTGTGGATGAATTAGGTAA[G>C]ACATTAAACTTCTCATTTGAAGACTATCTATCTTAAAAACATTTGTACAAATAACTATTT-3'

ClinVar aggregate classification (germline): Uncertain significance. Review status: criteria provided, multiple submitters, no conflicts (2 of 4 stars). 3 submissions from 3 submitters: Uncertain significance (3). Last evaluated 2026-02-04.

Conditions:
Hereditary nonpolyposis colorectal neoplasms. Identifiers: MedGen C0009405, MeSH D003123.
Hereditary cancer-predisposing syndrome. Also called: Tumor predisposition; Hereditary neoplastic syndrome; Hereditary Cancer Syndrome; Neoplastic Syndromes, Hereditary. Identifiers: Orphanet 140162, MedGen C0027672, MeSH D009386, MONDO:0015356.

Submissions (3):

Ambry Genetics
Classification: Uncertain significance for Hereditary cancer-predisposing syndrome. Last evaluated: 2026-02-04. Review status: criteria provided, single submitter. Criteria: Ambry Variant Classification Scheme 2023. Collection method: clinical testing. Allele origin: germline.
Comment: The c.3646+5G>C intronic variant results from a G to C substitution 5 nucleotides after coding exon 7 in the MSH6 gene. This nucleotide position is highly conserved in available vertebrate species. In silico splice site analysis predicts that this alteration will not have any significant effect on splicing. Based on the available evidence, the clinical significance of this variant remains unclear.

Labcorp Genetics (formerly Invitae), Labcorp
Classification: Uncertain significance for Hereditary nonpolyposis colorectal neoplasms. Last evaluated: 2021-03-21. Review status: criteria provided, single submitter. Criteria: Invitae Variant Classification Sherloc (09022015). Collection method: clinical testing. Allele origin: germline.
Comment: In summary, the available evidence is currently insufficient to determine the role of this variant in disease. Therefore, it has been classified as a Variant of Uncertain Significance. Nucleotide substitutions within the consensus splice site are a relatively common cause of aberrant splicing (PMID: 17576681, 9536098). Algorithms developed to predict the effect of sequence changes on RNA splicing suggest that this variant may disrupt the consensus splice site, but this prediction has not been confirmed by published transcriptional studies. This variant has not been reported in the literature in individuals with MSH6-related conditions. ClinVar contains an entry for this variant (Variation ID: 927465). This variant is not present in population databases (ExAC no frequency). This sequence change falls in intron 7 of the MSH6 gene. It does not directly change the encoded amino acid sequence of the MSH6 protein. It affects a nucleotide within the consensus splice site of the intron.

Color Diagnostics, LLC DBA Color Health
Classification: Uncertain significance for Hereditary cancer-predisposing syndrome. Last evaluated: 2019-01-03. Review status: criteria provided, single submitter. Criteria: ACMG Guidelines, 2015. Collection method: clinical testing. Allele origin: germline.

Literature cited by the submitters: PubMed 17576681 (cited by Labcorp Genetics (formerly Invitae), Labcorp); PubMed 9536098 (cited by Labcorp Genetics (formerly Invitae), Labcorp).